The following is an entry in ClinVar:

NM_014252.4(SLC25A15):c.631C>T (p.Pro211Ser)

Gene: SLC25A15 (solute carrier family 25 member 15; plus strand). Cytogenetic location: 13q14.11.
Variant type: single nucleotide variant.
Coding change: c.631C>T on transcript NM_014252.4 (MANE Select); coding-DNA position 631, C replaced by T.
Protein change: p.Pro211Ser; replaces proline 211 with serine.
Molecular consequence: missense variant.
Genome position (GRCh38, 1-based): chr13:40,808,446, C>T. VCF-style: chr13-40808446-C-T. GRCh37 (hg19) VCF-style: chr13-41382582-C-T.
Other names: short protein forms P211S.
Identifiers: ClinVar variation 2161565 (VCV002161565.1), dbSNP rs747686892, ClinGen allele CA6959793.

ClinVar aggregate classification (germline): Uncertain significance (1 of 4 stars; one submission).

Conditions:
Hyperornithinemia-hyperammonemia-homocitrullinuria syndrome (HHHS). Also called: Ornithine translocase deficiency; HHH SYNDROME. Identifiers: Orphanet 415, MedGen C0268540, MONDO:0009393, OMIM 238970.

Allele frequency attached by ClinVar (database versions not stated): gnomAD exomes below 0.00001; ExAC 0.00001.

Submission:

Labcorp Genetics (formerly Invitae), Labcorp
Classification: Uncertain significance for Hyperornithinemia-hyperammonemia-homocitrullinuria syndrome. Last evaluated: 2022-06-24. Review status: criteria provided, single submitter. Criteria: Invitae Variant Classification Sherloc (09022015). Collection method: clinical testing. Allele origin: germline.
Comment: This sequence change replaces proline, which is neutral and non-polar, with serine, which is neutral and polar, at codon 211 of the SLC25A15 protein (p.Pro211Ser). The frequency data for this variant in the population databases is considered unreliable, as metrics indicate poor data quality at this position in the gnomAD database. This variant has not been reported in the literature in individuals affected with SLC25A15-related conditions. Algorithms developed to predict the effect of missense changes on protein structure and function output the following: SIFT: "Tolerated"; PolyPhen-2: "Benign"; Align-GVGD: "Class C0". The serine amino acid residue is found in multiple mammalian species, which suggests that this missense change does not adversely affect protein function. In summary, the available evidence is currently insufficient to determine the role of this variant in disease. Therefore, it has been classified as a Variant of Uncertain Significance.